The following is an entry in ClinVar:

ClinVar aggregate classification (germline): Uncertain significance. Review status: criteria provided, multiple submitters, no conflicts (2 of 4 stars). 2 submissions from 2 submitters: Uncertain significance (2). Last evaluated 2025-11-07.

Conditions:
SPTBN2-related disorder. Also called: SPTBN2-related condition.
Inborn genetic diseases. Identifiers: MedGen C0950123, MeSH D030342.

Allele frequency attached by ClinVar (database versions not stated): gnomAD exomes below 0.00001; TOPMed below 0.00001.
gnomAD v4.1: 1 of 1,614,156 alleles (0.000062%); highest among the groups gnomAD compares: Non-Finnish European, 0.000085%; no homozygotes.

Submissions (2):

Ambry Genetics
Classification: Uncertain significance for Inborn genetic diseases. Last evaluated: 2025-11-07. Review status: criteria provided, single submitter. Criteria: Ambry Variant Classification Scheme 2023. Collection method: clinical testing. Allele origin: germline.

PreventionGenetics, part of Exact Sciences
Classification: Uncertain significance for SPTBN2-related condition. Last evaluated: 2025-07-11. Review status: criteria provided, single submitter. Criteria: ACMG Guidelines, 2015. Collection method: clinical testing. Allele origin: germline.
Comment: The SPTBN2 c.3680G>A variant is predicted to result in the amino acid substitution p.Arg1227Gln. To our knowledge, this variant has not been reported in the literature or in a large population database, indicating this variant is rare. At this time, the clinical significance of this variant is uncertain due to the absence of conclusive functional and genetic evidence.

NM_006946.4(SPTBN2):c.3680G>A (p.Arg1227Gln)

Gene: SPTBN2 (spectrin beta, non-erythrocytic 2; minus strand). Cytogenetic location: 11q13.2.
Variant type: single nucleotide variant.
Coding change: c.3680G>A on transcript NM_006946.4 (MANE Select); coding-DNA position 3680, G replaced by A.
Protein change: p.Arg1227Gln; replaces arginine 1227 with glutamine.
Molecular consequence: missense variant.
Genome position (GRCh38, 1-based): chr11:66,699,502, C>T on the plus strand (G>A on the coding strand, the complement: SPTBN2 is on the minus strand). VCF-style: chr11-66699502-C-T. GRCh37 (hg19) VCF-style: chr11-66466973-C-T.
Other names: c.3701G>A, p.Arg1234Gln (NM_001411025.1); short protein forms R1227Q, R1234Q.
Identifiers: ClinVar variation 3032209 (VCV003032209.4), dbSNP rs967441746, ClinGen allele CA224082885.
Genomic context (GRCh38, chr11:66,699,502, plus strand): 5'-TCGGCGTGGATGTTGCCTTCAGATACCAGCTGGCGGCCAGCCTCCAGGAGCCCGTGGATC[C>T]GTTCCCCATTGGCGTCCATGGTGCTCATGAAGTCCTCCAGTTTTTTAATGGCAGCATCAG-3'
Protein context (NP_008877.2, residues 1217-1237): FMSTMDANGE[Arg1227Gln]IHGLLEAGRQ